The following is an entry in ClinVar:

ClinVar aggregate classification (germline): Uncertain significance. Review status: criteria provided, multiple submitters, no conflicts (2 of 4 stars). 3 submissions from 3 submitters: Uncertain significance (3). Last evaluated 2026-02-26.

Conditions:
Inborn genetic diseases. Identifiers: MedGen C0950123, MeSH D030342.
Polycystic kidney disease, adult type (PKD1). Also called: POLYCYSTIC KIDNEY DISEASE 1 WITH OR WITHOUT POLYCYSTIC LIVER DISEASE; Polycystic Kidney Disease 1, Autosomal Dominant; Polycystic kidney disease 1; Polycystic kidney disease 1, severe; POLYCYSTIC KIDNEY DISEASE, ADULT, TYPE I; Polycystic Kidney, Autosomal Dominant. Identifiers: MedGen C3149841, MONDO:0008263, OMIM 173900.

Allele frequency attached by ClinVar (database versions not stated): TOPMed 0.00001.

Submissions (3):

Ambry Genetics
Classification: Uncertain significance for Inborn genetic diseases. Last evaluated: 2026-02-26. Review status: criteria provided, single submitter. Criteria: Ambry Variant Classification Scheme 2023. Collection method: clinical testing. Allele origin: germline.

Daryl Scott Lab, Baylor College of Medicine
Classification: Uncertain significance for Polycystic kidney disease, adult type. Last evaluated: 2024-01-01. Review status: criteria provided, single submitter. Criteria: ACMG Guidelines, 2015. Collection method: clinical testing. Allele origin: paternal. Observed: 1 heterozygote.
Comment: PM2

Baylor Genetics
Classification: Uncertain significance for Polycystic kidney disease, adult type. Last evaluated: 2020-01-24. Review status: criteria provided, single submitter. Criteria: ACMG Guidelines, 2015. Collection method: clinical testing. Allele origin: unknown. Affected: yes.
Comment: This variant was determined to be of uncertain significance according to ACMG Guidelines, 2015 [PMID:25741868].

NM_001009944.3(PKD1):c.5804G>C (p.Arg1935Pro)

Gene: PKD1 (polycystin 1, transient receptor potential channel interacting; minus strand). Cytogenetic location: 16p13.3.
Variant type: single nucleotide variant.
Coding change: c.5804G>C on transcript NM_001009944.3 (MANE Select); coding-DNA position 5804, G replaced by C.
Protein change: p.Arg1935Pro; replaces arginine 1935 with proline.
Molecular consequence: missense variant.
Genome position (GRCh38, 1-based): chr16:2,109,363, C>G on the plus strand (G>C on the coding strand, the complement: PKD1 is on the minus strand). VCF-style: chr16-2109363-C-G. GRCh37 (hg19) VCF-style: chr16-2159364-C-G.
Other names: c.5804G>C, p.Arg1935Pro (NM_000296.4); c.5804G>C (NM_000296.3); short protein forms R1935P.
Identifiers: ClinVar variation 1030955 (VCV001030955.3), dbSNP rs770331568, ClinGen allele CA394375477.